The following is an entry in ClinVar:

NM_002184.4(IL6ST):c.973A>G (p.Arg325Gly)

Gene: IL6ST (interleukin 6 cytokine family signal transducer; minus strand). Cytogenetic location: 5q11.2.
Variant type: single nucleotide variant.
Coding change: c.973A>G on transcript NM_002184.4 (MANE Select); coding-DNA position 973, A replaced by G.
Protein change: p.Arg325Gly; replaces arginine 325 with glycine.
Molecular consequence: missense variant. On other transcripts: non-coding transcript variant (2).
Genome position (GRCh38, 1-based): chr5:55,960,402, T>C on the plus strand (A>G on the coding strand, the complement: IL6ST is on the minus strand). VCF-style: chr5-55960402-T-C. GRCh37 (hg19) VCF-style: chr5-55256230-T-C.
Other names: c.973A>G, p.Arg325Gly (NM_001190981.2, NM_001364275.2); c.763A>G, p.Arg255Gly (NM_001364276.2); c.60A>G, p.Ile20Met (NM_001364277.2, NM_001364279.2); c.70A>G, p.Arg24Gly (NM_001364278.2); c.973A>G, p.Asn325Asp (NM_175767.3); short protein forms R24G, I20M, N325D, R325G, R255G.
Identifiers: ClinVar variation 1939918 (VCV001939918.5), dbSNP rs764685344, ClinGen allele CA3271574.

ClinVar aggregate classification (germline): Uncertain significance (1 of 4 stars; one submission).

Allele frequency attached by ClinVar (database versions not stated): gnomAD 0.00001; ExAC 0.00002.

Submission:

Labcorp Genetics (formerly Invitae), Labcorp
Classification: Uncertain significance. Last evaluated: 2025-08-21. Review status: criteria provided, single submitter. Criteria: Invitae Variant Classification Sherloc (09022015). Collection method: clinical testing. Allele origin: germline.
Comment: This sequence change replaces arginine, which is basic and polar, with glycine, which is neutral and non-polar, at codon 325 of the IL6ST protein (p.Arg325Gly). This variant is present in population databases (rs764685344, gnomAD 0.01%). This variant has not been reported in the literature in individuals affected with IL6ST-related conditions. ClinVar contains an entry for this variant (Variation ID: 1939918). An algorithm developed to predict the effect of missense changes on protein structure and function (PolyPhen-2) suggests that this variant is likely to be tolerated. In summary, the available evidence is currently insufficient to determine the role of this variant in disease. Therefore, it has been classified as a Variant of Uncertain Significance.